The following is an entry in ClinVar:

ClinVar aggregate classification (germline): Benign/Likely benign. Review status: criteria provided, multiple submitters, no conflicts (2 of 4 stars). 12 submissions from 11 submitters: Benign (5); Likely benign (1). 6 of the submissions do not count toward it. Last evaluated 2026-02-04.

Conditions:
Amyotrophic lateral sclerosis type 4 (ALS4). Also called: AMYOTROPHIC LATERAL SCLEROSIS 4, JUVENILE; NEURONOPATHY, DISTAL HEREDITARY MOTOR, WITH PYRAMIDAL FEATURES. Identifiers: Orphanet 357043, MedGen C1865409, MONDO:0011223, OMIM 602433.
Spinocerebellar ataxia, autosomal recessive, with axonal neuropathy 2 (SCAN2). Also called: Ataxia with Oculomotor Apraxia; Ataxia with Oculomotor Apraxia Type 2; ATAXIA-OCULOMOTOR APRAXIA 2; Ataxia-ocular apraxia-2. Identifiers: Orphanet 64753, MedGen C1853761, MONDO:0018996, OMIM 606002.

Submissions (12):

Labcorp Genetics (formerly Invitae), Labcorp
Classification: Benign for Amyotrophic lateral sclerosis type 4; Spinocerebellar ataxia, autosomal recessive, with axonal neuropathy 2. Last evaluated: 2026-02-04. Review status: criteria provided, single submitter. Criteria: Invitae Variant Classification Sherloc (09022015). Collection method: clinical testing. Allele origin: germline.

Blueprint Genetics
Classification: Likely benign. Last evaluated: 2024-11-27. Review status: criteria provided, single submitter. Criteria: ACMG Guidelines, 2015. Collection method: clinical testing. Allele origin: germline.

Mayo Clinic Laboratories, Mayo Clinic
Classification: Benign. Last evaluated: 2024-04-30. Review status: criteria provided, single submitter. Criteria: ACMG Guidelines, 2015. Collection method: clinical testing. Allele origin: germline. Observed: 681 variant alleles.
Comment: BA1

Genome-Nilou Lab
Classification: Benign for Spinocerebellar ataxia, autosomal recessive, with axonal neuropathy 2. Last evaluated: 2023-02-08. Review status: criteria provided, single submitter. Criteria: ACMG Guidelines, 2015. Collection method: clinical testing. Allele origin: germline.

Genome-Nilou Lab
Classification: Benign for Amyotrophic lateral sclerosis type 4. Last evaluated: 2023-02-08. Review status: criteria provided, single submitter. Criteria: ACMG Guidelines, 2015. Collection method: clinical testing. Allele origin: germline.

GeneDx
Classification: Benign. Last evaluated: 2019-08-13. Review status: criteria provided, single submitter. Criteria: GeneDx Variant Classification Process June 2021. Collection method: clinical testing. Allele origin: germline. Affected: yes.

Clinical Genetics DNA and cytogenetics Diagnostics Lab, Erasmus MC, Erasmus Medical Center
Classification: Benign. Review status: no assertion criteria provided. Collection method: clinical testing. Allele origin: germline. Affected: yes. Study: VKGL Data-share Consensus. Not counted in ClinVar's aggregate classification.

Clinical Genetics, Academic Medical Center
Classification: Benign. Review status: no assertion criteria provided. Collection method: clinical testing. Allele origin: germline. Affected: yes. Study: VKGL Data-share Consensus. Not counted in ClinVar's aggregate classification.

Diagnostic Laboratory, Department of Genetics, University Medical Center Groningen
Classification: Benign. Review status: no assertion criteria provided. Collection method: clinical testing. Allele origin: germline. Affected: yes. Study: VKGL Data-share Consensus. Not counted in ClinVar's aggregate classification.

Genome Diagnostics Laboratory, Amsterdam University Medical Center
Classification: Benign. Review status: no assertion criteria provided. Collection method: clinical testing. Allele origin: germline. Affected: yes. Study: VKGL Data-share Consensus. Not counted in ClinVar's aggregate classification.

Genome Diagnostics Laboratory, University Medical Center Utrecht
Classification: Benign. Review status: no assertion criteria provided. Collection method: clinical testing. Allele origin: germline. Affected: yes. Study: VKGL Data-share Consensus. Not counted in ClinVar's aggregate classification.

Laboratory of Diagnostic Genome Analysis, Leiden University Medical Center (LUMC)
Classification: Likely benign. Review status: no assertion criteria provided. Collection method: clinical testing. Allele origin: germline. Affected: yes. Study: VKGL Data-share Consensus. Not counted in ClinVar's aggregate classification.

NM_015046.7(SETX):c.6843-16dup

Gene: SETX (senataxin; minus strand). Cytogenetic location: 9q34.13.
Variant type: Duplication.
Coding change: c.6843-16dup on transcript NM_015046.7 (MANE Select); 16 bases into the intron before coding-DNA position 6843, one base duplicated (T; older notation c.6843-16dupT).
Molecular consequence: intron variant.
Genome position (GRCh38, 1-based): chr9:132,277,157, A duplicated on the plus strand (T on the coding strand, the reverse complement: SETX is on the minus strand); the first of 12 consecutive A bases (chr9:132,277,157-132,277,168); duplicating any one gives the same sequence. VCF-style (leftmost placement, unchanged base first): chr9-132277156-T-TA. GRCh37 (hg19) VCF-style: chr9-135152543-T-TA.
Other names: p.?; c.6843-5dup (NM_015046.7); c.6843-16dup (NM_001351528.2, NM_001351527.2).
Identifiers: ClinVar variation 1165171 (VCV001165171.24), dbSNP rs34769225, ClinGen allele CA5296590.